The following is an entry in ClinVar:

NM_007294.4(BRCA1):c.5152+6T>A

Gene: BRCA1 (BRCA1 DNA repair associated; minus strand). Cytogenetic location: 17q21.31.
Variant type: single nucleotide variant.
Coding change: c.5152+6T>A on transcript NM_007294.4 (MANE Select); 6 bases into the intron after coding-DNA position 5152, T replaced by A.
Molecular consequence: intron variant.
Genome position (GRCh38, 1-based): chr17:43,063,868, A>T on the plus strand (T>A on the coding strand, the complement: BRCA1 is on the minus strand). VCF-style: chr17-43063868-A-T. GRCh37 (hg19) VCF-style: chr17-41215885-A-T.
Other names: IVS18+6T>A; c.1699+6T>A (NM_001408458.1, NM_001408461.1, NM_001408464.1 and 7 more transcripts); c.4261+6T>A (NM_001407967.1); c.4771+6T>A (NM_001407959.1); c.4885+6T>A (NM_001407931.1, NM_001407932.1, NM_001407928.1 and 4 more transcripts); c.5008+6T>A (NM_001407747.1, NM_001407745.1, NM_001407737.1 and 21 more transcripts); c.4768+6T>A (NM_001407962.1, NM_001407960.1); c.1339+6T>A (NM_001408512.1); and 74 more.
Identifiers: ClinVar variation 125776 (VCV000125776.11), dbSNP rs80358074, ClinGen allele CA003290.

ClinVar aggregate classification (germline): Likely pathogenic. Review status: criteria provided, single submitter (1 of 4 stars). 2 submissions from 2 submitters: Likely pathogenic (1). 1 of the submissions does not count toward it. Last evaluated 2024-09-27.

Conditions:
Hereditary breast ovarian cancer syndrome. Also called: Hereditary breast and/or ovarian cancer syndrome; Breast and ovarian cancer; Hereditary breast and ovarian cancer syndrome; Hereditary breast and ovarian cancer; Hereditary breast and ovarian cancer syndrome (HBOC); BRCA1- and BRCA2-Associated Hereditary Breast and Ovarian Cancer. Identifiers: Orphanet 145, MedGen C0677776, MeSH D061325, MONDO:0003582. Disease mechanism: loss of function.
Breast-ovarian cancer, familial, susceptibility to, 1 (BROVCA1). Also called: BRCA1 Hereditary Breast and Ovarian Cancer; OVARIAN CANCER, SUSCEPTIBILITY TO. Identifiers: Orphanet 145, MedGen C2676676, MONDO:0011450, OMIM 604370. Disease mechanism: loss of function.

Submissions (3):

Labcorp Genetics (formerly Invitae), Labcorp
Classification: Likely pathogenic for Hereditary breast ovarian cancer syndrome. Last evaluated: 2024-09-27. Review status: criteria provided, single submitter. Criteria: Invitae Variant Classification Sherloc (09022015). Collection method: clinical testing. Allele origin: germline.
Comment: This sequence change falls in intron 17 of the BRCA1 gene. It does not directly change the encoded amino acid sequence of the BRCA1 protein. It affects a nucleotide within the consensus splice site. This variant is not present in population databases (gnomAD no frequency). This variant has been observed in individual(s) with hereditary breast and ovarian cancer (internal data). It has also been observed to segregate with disease in related individuals. ClinVar contains an entry for this variant (Variation ID: 125776). Algorithms developed to predict the effect of variants on gene product structure and function are not available or were not evaluated for this variant. Experimental studies have shown that this variant affects BRCA1 function (PMID: 30209399). Variants that disrupt the consensus splice site are a relatively common cause of aberrant splicing (PMID: 17576681, 9536098). Algorithms developed to predict the effect of sequence changes on RNA splicing suggest that this variant may disrupt the consensus splice site. This variant disrupts the c.5152+6T nucleotide in the BRCA1 gene. Other variant(s) that disrupt this nucleotide have been determined to be pathogenic (PMID: 32123317, 32761968; external communication, internal data). This suggests that this nucleotide is clinically significant, and that variants that disrupt this position are likely to be disease-causing. In summary, the currently available evidence indicates that the variant is pathogenic, but additional data are needed to prove that conclusively. Therefore, this variant has been classified as Likely Pathogenic.

Breast Cancer Information Core (BIC) (BRCA1)
Classification: Uncertain significance for Breast-ovarian cancer, familial 1. Last evaluated: 2002-05-29. Review status: no assertion criteria provided. Collection method: clinical testing. Allele origin: germline. Affected: yes. Observed: 1 variant allele. Not counted in ClinVar's aggregate classification.

Brotman Baty Institute, University of Washington
No classification provided (evidence only). Condition: Breast-ovarian cancer, familial 1. Review status: no classification provided. Collection method: in vitro. Allele origin: not applicable. Functional consequence: functionally_abnormal. Not counted in ClinVar's aggregate classification.
ClinVar note: "not provided" was previously submitted as the classification for the variant. However, the classification appeared to be based only on an observation of functional data so it was converted to no classification on 2025-07-30.

Literature cited by the submitters: PubMed 30209399 (cited by Labcorp Genetics (formerly Invitae), Labcorp); PubMed 17576681 (cited by Labcorp Genetics (formerly Invitae), Labcorp); PubMed 9536098 (cited by Labcorp Genetics (formerly Invitae), Labcorp); PubMed 32123317 (cited by Labcorp Genetics (formerly Invitae), Labcorp); PubMed 32761968 (cited by Labcorp Genetics (formerly Invitae), Labcorp).